The following is an entry in ClinVar:

ClinVar aggregate classification (germline): Benign/Likely benign. Review status: criteria provided, multiple submitters, no conflicts (2 of 4 stars). 16 submissions from 16 submitters: Benign (5); Likely benign (8). 3 of the submissions do not count toward it. Last evaluated 2026-09-01.

Conditions:
Fanconi anemia (FA). Also called: Fanconi's anemia. Identifiers: Orphanet 84, MedGen C0015625, MeSH D005199, MONDO:0019391.
Fanconi anemia complementation group A (FANCA). Also called: Fanconi anemia, group A; FANCA-Related Fanconi Anemia. Identifiers: Orphanet 84, MedGen C3469521, MONDO:0009215, OMIM 227650.
Fanconi anemia complementation group I (FANCI). Also called: FANCI-Related Fanconi Anemia. Identifiers: Orphanet 84, MedGen C1836861, MONDO:0012186, OMIM 609053.

Allele frequency attached by ClinVar (database versions not stated): gnomAD exomes 0.00900 and 0.00655; 1000 Genomes Project 30x 0.00172; 1000 Genomes Project 0.00200; TOPMed 0.00505; ExAC 0.00623; gnomAD 0.00687 and 0.00708; ESP Exome Variant Server 0.00762.
gnomAD v4.1: 14,119 of 1,614,096 alleles (0.87%); highest among the groups gnomAD compares: Non-Finnish European, 1%; 105 homozygotes.

Submissions (16):

CeGaT Center for Human Genetics Tuebingen
Classification: Benign. Last evaluated: 2026-09-01. Review status: criteria provided, single submitter. Criteria: CeGaT Center For Human Genetics Tuebingen Variant Classification Criteria Version 2. Collection method: clinical testing. Allele origin: germline. Affected: yes. Observed: 81 variant alleles.
Comment: FANCI: BS1, BS2

Labcorp Genetics (formerly Invitae), Labcorp
Classification: Benign for Fanconi anemia. Last evaluated: 2026-02-02. Review status: criteria provided, single submitter. Criteria: Invitae Variant Classification Sherloc (09022015). Collection method: clinical testing. Allele origin: germline.

Mayo Clinic Laboratories, Mayo Clinic
Classification: Likely benign. Last evaluated: 2025-09-22. Review status: criteria provided, single submitter. Criteria: ACMG Guidelines, 2015. Collection method: clinical testing. Allele origin: germline. Observed: 1 variant allele.
Comment: BS1, BP4

ARUP Laboratories, Molecular Genetics and Genomics, ARUP Laboratories
Classification: Likely benign for Fanconi anemia complementation group I. Last evaluated: 2025-04-16. Review status: criteria provided, single submitter. Criteria: ARUP Molecular Germline Variant Investigation Process 2024. Collection method: clinical testing. Allele origin: germline.

Blueprint Genetics
Classification: Likely benign. Last evaluated: 2024-11-27. Review status: criteria provided, single submitter. Criteria: ACMG Guidelines, 2015. Collection method: clinical testing. Allele origin: germline.

KCCC/NGS Laboratory, Kuwait Cancer Control Center
Classification: Benign for Fanconi anemia complementation group I. Last evaluated: 2023-07-07. Review status: criteria provided, single submitter. Criteria: ACMG Guidelines, 2015. Collection method: clinical testing. Allele origin: germline. Affected: yes.

GeneDx
Classification: Likely benign. Last evaluated: 2021-06-02. Review status: criteria provided, single submitter. Criteria: GeneDx Variant Classification Process June 2021. Collection method: clinical testing. Allele origin: germline. Affected: yes.

Mendelics
Classification: Likely benign for Fanconi anemia complementation group A. Last evaluated: 2019-05-28. Review status: criteria provided, single submitter. Criteria: Mendelics Assertion Criteria 2017. Collection method: clinical testing. Allele origin: unknown.

Illumina Laboratory Services, Illumina
Classification: Likely benign for Fanconi anemia complementation group I. Last evaluated: 2018-01-12. Review status: criteria provided, single submitter. Criteria: ICSL Variant Classification Criteria 13 December 2019. Collection method: clinical testing. Allele origin: germline.
Comment: This variant was observed in the ICSL laboratory as part of a predisposition screen in an ostensibly healthy population. It had not been previously curated by ICSL or reported in the Human Gene Mutation Database (HGMD: prior to June 1st, 2018), and was therefore a candidate for classification through an automated scoring system. Utilizing variant allele frequency, disease prevalence and penetrance estimates, and inheritance mode, an automated score was calculated to assess if this variant is too frequent to cause the disease. Based on the score and internal cut-off values, a variant classified as likely benign is not then subjected to further curation. The score for this variant resulted in a classification of likely benign for this disease.

Genetic Services Laboratory, University of Chicago
Classification: Benign. Last evaluated: 2016-07-29. Review status: criteria provided, single submitter. Criteria: ACMG Guidelines, 2015. Collection method: clinical testing. Allele origin: germline. Affected: no.

Center for Pediatric Genomic Medicine, Children's Mercy Hospital and Clinics
Classification: Likely benign. Last evaluated: 2015-12-23. Review status: criteria provided, single submitter. Criteria: ACMG Guidelines, 2015. Collection method: clinical testing. Allele origin: germline.
ClinVar note: Converted during submission from Likely Benign to Likely benign.

Breakthrough Genomics
Classification: Likely benign. Review status: criteria provided, single submitter. Criteria: ACMG Guidelines, 2015. Collection method: not provided. Allele origin: germline. Inheritance: Autosomal recessive inheritance. Affected: yes.

PreventionGenetics, part of Exact Sciences
Classification: Benign. Review status: criteria provided, single submitter. Criteria: ACMG Guidelines, 2015. Collection method: clinical testing. Allele origin: germline.

Clinical Genetics DNA and cytogenetics Diagnostics Lab, Erasmus MC, Erasmus Medical Center
Classification: Likely benign. Review status: no assertion criteria provided. Collection method: clinical testing. Allele origin: germline. Affected: yes. Study: VKGL Data-share Consensus. Not counted in ClinVar's aggregate classification.

Genome Diagnostics Laboratory, Amsterdam University Medical Center
Classification: Benign. Review status: no assertion criteria provided. Collection method: clinical testing. Allele origin: germline. Affected: yes. Study: VKGL Data-share Consensus. Not counted in ClinVar's aggregate classification.

Laboratory of Diagnostic Genome Analysis, Leiden University Medical Center (LUMC)
Classification: Likely benign. Review status: no assertion criteria provided. Collection method: clinical testing. Allele origin: germline. Affected: yes. Study: VKGL Data-share Consensus. Not counted in ClinVar's aggregate classification.

NM_001113378.2(FANCI):c.1813C>T (p.Leu605Phe)

Gene: FANCI (FA complementation group I; plus strand). Cytogenetic location: 15q26.1.
Variant type: single nucleotide variant.
Coding change: c.1813C>T on transcript NM_001113378.2 (MANE Select); coding-DNA position 1813, C replaced by T.
Protein change: p.Leu605Phe; replaces leucine 605 with phenylalanine.
Molecular consequence: missense variant.
Genome position (GRCh38, 1-based): chr15:89,285,210, C>T. VCF-style: chr15-89285210-C-T. GRCh37 (hg19) VCF-style: chr15-89828441-C-T.
Other names: p.Leu605Phe; c.1534C>T, p.Leu512Phe (NM_001376910.1); c.1813C>T, p.Leu605Phe (NM_001376911.1, NM_018193.3); short protein forms L605F, L512F.
Identifiers: ClinVar variation 210985 (VCV000210985.56), dbSNP rs117125761, ClinGen allele CA206229.